The following is an entry in ClinVar:

NM_025243.4(SLC19A3):c.494C>A (p.Ala165Glu)

Gene: SLC19A3 (solute carrier family 19 member 3; minus strand). Cytogenetic location: 2q36.3.
Variant type: single nucleotide variant.
Coding change: c.494C>A on transcript NM_025243.4 (MANE Select); coding-DNA position 494, C replaced by A.
Protein change: p.Ala165Glu; replaces alanine 165 with glutamic acid.
Molecular consequence: missense variant.
Genome position (GRCh38, 1-based): chr2:227,699,221, G>T on the plus strand (C>A on the coding strand, the complement: SLC19A3 is on the minus strand). VCF-style: chr2-227699221-G-T. GRCh37 (hg19) VCF-style: chr2-228563937-G-T.
Other names: short protein forms A165E.
Identifiers: ClinVar variation 574758 (VCV000574758.7), dbSNP rs144223086, ClinGen allele CA2149286.
Genomic context (GRCh38, chr2:227,699,221, plus strand): 5'-AGGAAAGCCACGGAGACAGAGGCCAAGGATATGACGTTGAGGTAAAAGTACGACATGTTC[G>T]CCAGGGATACCAAGAGTTGAGCCAGCACCGACCCTGCTGTGTAGGCGGCCAGCGTGACGC-3'
Protein context (NP_079519.1, residues 155-175): SVLAQLLVSL[Ala165Glu]NMSYFYLNVI

ClinVar aggregate classification (germline): Uncertain significance. Review status: criteria provided, multiple submitters, no conflicts (2 of 4 stars). 2 submissions from 2 submitters: Uncertain significance (2). Last evaluated 2022-08-16.

Conditions:
Biotin-responsive basal ganglia disease (BTBGD). Also called: Thiamine metabolism dysfunction syndrome type 2; Thiamine Transporter-2 Deficiency; Thiamine metabolism dysfunction syndrome 2 (biotin- or thiamine-responsive encephalopathy type 2); thiamine-responsive encephalopathy; THIAMINE METABOLISM DYSFUNCTION SYNDROME 2 (BIOTIN- AND THIAMINE-RESPONSIVE TYPE). Identifiers: Orphanet 199348, Orphanet 65284, MedGen C1843807, MONDO:0011841, OMIM 607483.
Inborn genetic diseases. Identifiers: MedGen C0950123, MeSH D030342.

Allele frequency attached by ClinVar (database versions not stated): gnomAD 0.00006; TOPMed 0.00007; ESP Exome Variant Server 0.00015.

Submissions (2):

Labcorp Genetics (formerly Invitae), Labcorp
Classification: Uncertain significance for Biotin-responsive basal ganglia disease. Last evaluated: 2022-08-16. Review status: criteria provided, single submitter. Criteria: Invitae Variant Classification Sherloc (09022015). Collection method: clinical testing. Allele origin: germline.
Comment: This sequence change replaces alanine, which is neutral and non-polar, with glutamic acid, which is acidic and polar, at codon 165 of the SLC19A3 protein (p.Ala165Glu). This variant is present in population databases (rs144223086, gnomAD 0.02%). This variant has not been reported in the literature in individuals affected with SLC19A3-related conditions. ClinVar contains an entry for this variant (Variation ID: 574758). Advanced modeling of protein sequence and biophysical properties (such as structural, functional, and spatial information, amino acid conservation, physicochemical variation, residue mobility, and thermodynamic stability) performed at Invitae indicates that this missense variant is not expected to disrupt SLC19A3 protein function. In summary, the available evidence is currently insufficient to determine the role of this variant in disease. Therefore, it has been classified as a Variant of Uncertain Significance.

Ambry Genetics
Classification: Uncertain significance for Inborn genetic diseases. Last evaluated: 2022-03-15. Review status: criteria provided, single submitter. Criteria: Ambry Variant Classification Scheme 2023. Collection method: clinical testing. Allele origin: germline.
Comment: The c.494C>A (p.A165E) alteration is located in exon 3 (coding exon 2) of the SLC19A3 gene. This alteration results from a C to A substitution at nucleotide position 494, causing the alanine (A) at amino acid position 165 to be replaced by a glutamic acid (E). Based on data from gnomAD, the A allele has an overall frequency of <0.01% (5/282824) total alleles studied. The highest observed frequency was 0.02% (4/19952) of East Asian alleles. This amino acid position is not well conserved in available vertebrate species. This alteration is predicted to be tolerated by in silico analysis. Based on insufficient or conflicting evidence, the clinical significance of this alteration remains unclear.